The following is an entry in ClinVar:

NM_000051.4(ATM):c.4425dup (p.Ile1476fs)

Gene: ATM (ATM serine/threonine kinase; plus strand). Cytogenetic location: 11q22.3.
Variant type: Duplication.
Coding change: c.4425dup on transcript NM_000051.4 (MANE Select); coding-DNA position 4425, one base duplicated (T; older notation c.4425dupT).
Protein change: p.Ile1476fs; shifts the reading frame from isoleucine 1476.
Molecular consequence: frameshift variant.
Genome position (GRCh38, 1-based): chr11:108,289,790, T duplicated. VCF-style (leftmost placement, unchanged base first): chr11-108289789-A-AT. GRCh37 (hg19) VCF-style: chr11-108160516-A-AT.
Other names: c.4425dup, p.Ile1476fs (NM_001351834.2); c.4425dupT (NM_000051.3); short protein forms I1476fs.
Identifiers: ClinVar variation 3221269 (VCV003221269.1), dbSNP rs2546910823, ClinGen allele CA2574726456.

ClinVar aggregate classification (germline): Pathogenic (1 of 4 stars; one submission).

Conditions:
Hereditary cancer-predisposing syndrome. Also called: Tumor predisposition; Hereditary neoplastic syndrome; Hereditary Cancer Syndrome; Neoplastic Syndromes, Hereditary. Identifiers: Orphanet 140162, MedGen C0027672, MeSH D009386, MONDO:0015356.

Submission:

Ambry Genetics
Classification: Pathogenic for Hereditary cancer-predisposing syndrome. Last evaluated: 2023-12-27. Review status: criteria provided, single submitter. Criteria: Ambry Variant Classification Scheme 2023. Collection method: clinical testing. Allele origin: germline.
Comment: The c.4425dupT variant, located in coding exon 28 of the ATM gene, results from a duplication of T at nucleotide position 4425, causing a translational frameshift with a predicted alternate stop codon (p.I1476Yfs*15). This alteration is expected to result in loss of function by premature protein truncation or nonsense-mediated mRNA decay. As such, this alteration is interpreted as a disease-causing mutation.